The following is an entry in ClinVar:

ClinVar aggregate classification (germline): Uncertain significance (1 of 4 stars; one submission).

gnomAD v4.1: 2 of 1,614,040 alleles (0.00012%); highest among the groups gnomAD compares: Non-Finnish European, 0.00017%; no homozygotes.

Submission:

Labcorp Genetics (formerly Invitae), Labcorp
Classification: Uncertain significance. Last evaluated: 2025-12-16. Review status: criteria provided, single submitter. Criteria: Invitae Variant Classification Sherloc (09022015). Collection method: clinical testing. Allele origin: germline.
Comment: This sequence change replaces threonine, which is neutral and polar, with isoleucine, which is neutral and non-polar, at codon 459 of the SLC36A2 protein (p.Thr459Ile). This variant is not present in population databases (gnomAD no frequency). This variant has not been reported in the literature in individuals affected with SLC36A2-related conditions. ClinVar contains an entry for this variant (Variation ID: 3676285). Invitae Evidence Modeling of protein sequence and biophysical properties (such as structural, functional, and spatial information, amino acid conservation, physicochemical variation, residue mobility, and thermodynamic stability) indicates that this missense variant is not expected to disrupt SLC36A2 protein function with a negative predictive value of 80%. In summary, the available evidence is currently insufficient to determine the role of this variant in disease. Therefore, it has been classified as a Variant of Uncertain Significance.

NM_181776.3(SLC36A2):c.1376C>T (p.Thr459Ile)

Gene: SLC36A2 (solute carrier family 36 member 2; minus strand). Cytogenetic location: 5q33.1.
Variant type: single nucleotide variant.
Coding change: c.1376C>T on transcript NM_181776.3 (MANE Select); coding-DNA position 1376, C replaced by T.
Protein change: p.Thr459Ile; replaces threonine 459 with isoleucine.
Molecular consequence: missense variant.
Genome position (GRCh38, 1-based): chr5:151,316,893, G>A on the plus strand (C>T on the coding strand, the complement: SLC36A2 is on the minus strand). VCF-style: chr5-151316893-G-A. GRCh37 (hg19) VCF-style: chr5-150696454-G-A.
Other names: short protein forms T459I.
Identifiers: ClinVar variation 3676285 (VCV003676285.2).